The following is an entry in ClinVar:

ClinVar aggregate classification (germline): Pathogenic (1 of 4 stars; one submission).

Conditions:
Hereditary cancer-predisposing syndrome. Also called: Tumor predisposition; Hereditary Cancer Syndrome; Hereditary neoplastic syndrome; Neoplastic Syndromes, Hereditary. Identifiers: Orphanet 140162, MedGen C0027672, MeSH D009386, MONDO:0015356.

Submission:

Ambry Genetics
Classification: Pathogenic for Hereditary cancer-predisposing syndrome. Last evaluated: 2022-01-21. Review status: criteria provided, single submitter. Criteria: Ambry Variant Classification Scheme 2023. Collection method: clinical testing. Allele origin: germline.
Comment: The c.2550_2551delCA pathogenic mutation, located in coding exon 4 of the MSH6 gene, results from a deletion of two nucleotides at nucleotide positions 2550 to 2551, causing a translational frameshift with a predicted immediate stop codon (p.Y850*). This alteration is expected to result in loss of function by premature protein truncation or nonsense-mediated mRNA decay. As such, this alteration is interpreted as a disease-causing mutation.

NM_000179.3(MSH6):c.2550_2551del (p.Tyr850_Ser851delinsTer)

Gene: MSH6 (mutS homolog 6; plus strand). Cytogenetic location: 2p16.3.
Variant type: Deletion.
Coding change: c.2550_2551del on transcript NM_000179.3 (MANE Select); coding-DNA positions 2550 to 2551, 2 bases deleted (CA; older notation c.2550_2551delCA).
Protein change: p.Tyr850_Ser851delinsTer.
Molecular consequence: nonsense.
Genome position (GRCh38, 1-based): chr2:47,800,533-47,800,534, CA deleted; deleting any 2 consecutive bases within chr2:47,800,532-47,800,534 gives the same sequence; the c. name uses the placement nearest the transcript's 3' end. VCF-style (leftmost placement, unchanged base first): chr2-47800531-TAC-T. GRCh37 (hg19) VCF-style: chr2-48027670-TAC-T.
Other names: c.2160_2161del, p.Tyr720_Ser721delinsTer (NM_001281492.2); c.1644_1645del, p.Tyr548_Ser549delinsTer (NM_001281493.2, NM_001281494.2); c.2550_2551delCA (NM_000179.2).
Identifiers: ClinVar variation 486906 (VCV000486906.5), dbSNP rs1553413897, ClinGen allele CA658655654.
Genomic context (GRCh38, chr2:47,800,531, plus strand): 5'-TCTCCCCTGAAGAGTCAGAACCACCCAGACAGCAGGGCTATAATGTATGAAGAAACTACA[TAC>T]AGCAAGAAGAAGATTATTGATTTTCTTTCTGCTCTGGAAGGATTCAAAGTAATGTGTAAA-3'